The following is an entry in ClinVar:

NM_001166114.2(PNPLA6):c.3531G>C (p.Trp1177Cys)

Gene: PNPLA6 (patatin like domain 6, lysophospholipase; plus strand). Cytogenetic location: 19p13.2.
Variant type: single nucleotide variant.
Coding change: c.3531G>C on transcript NM_001166114.2 (MANE Select); coding-DNA position 3531, G replaced by C.
Protein change: p.Trp1177Cys; replaces tryptophan 1177 with cysteine.
Molecular consequence: missense variant.
Genome position (GRCh38, 1-based): chr19:7,558,983, G>C. VCF-style: chr19-7558983-G-C. GRCh37 (hg19) VCF-style: chr19-7623869-G-C.
Other names: c.3561G>C, p.Trp1187Cys (NM_001166111.2); c.3336G>C, p.Trp1112Cys (NM_001166112.2); c.3417G>C, p.Trp1139Cys (NM_001166113.1, NM_006702.5); short protein forms W1112C, W1139C, W1177C, W1187C.
Identifiers: ClinVar variation 1207888 (VCV001207888.7), dbSNP rs150230845, ClinGen allele CA304882441.

ClinVar aggregate classification (germline): Conflicting classifications of pathogenicity. Review status: criteria provided, conflicting classifications (1 of 4 stars). 3 submissions from 3 submitters: Likely pathogenic (2); Uncertain significance (1). Last evaluated 2025-09-02.

Conditions:
PNPLA6-related disorder. Also called: PNPLA6-related condition; PNPLA6-related disorders.
Hereditary spastic paraplegia 39 (SPG39). Also called: Spastic Paraplegia Type 39 (SPG39); SPASTIC PARAPLEGIA 39, AUTOSOMAL RECESSIVE. Identifiers: Orphanet 139480, MedGen C2677586, MONDO:0012787, OMIM 612020.

Allele frequency attached by ClinVar (database versions not stated): gnomAD exomes below 0.00001 and 0.00001; ESP Exome Variant Server 0.00008.

Submissions (3):

Labcorp Genetics (formerly Invitae), Labcorp
Classification: Uncertain significance for Hereditary spastic paraplegia 39. Last evaluated: 2025-09-02. Review status: criteria provided, single submitter. Criteria: Invitae Variant Classification Sherloc (09022015). Collection method: clinical testing. Allele origin: germline.
Comment: This sequence change replaces tryptophan, which is neutral and slightly polar, with cysteine, which is neutral and slightly polar, at codon 1139 of the PNPLA6 protein (p.Trp1139Cys). This variant is not present in population databases (gnomAD no frequency). This variant has not been reported in the literature in individuals affected with PNPLA6-related conditions. ClinVar contains an entry for this variant (Variation ID: 1207888). Invitae Evidence Modeling of protein sequence and biophysical properties (such as structural, functional, and spatial information, amino acid conservation, physicochemical variation, residue mobility, and thermodynamic stability) indicates that this missense variant is not expected to disrupt PNPLA6 protein function with a negative predictive value of 80%. In summary, the available evidence is currently insufficient to determine the role of this variant in disease. Therefore, it has been classified as a Variant of Uncertain Significance.

Blueprint Genetics
Classification: Likely pathogenic for PNPLA6-related disorders. Last evaluated: 2023-04-11. Review status: criteria provided, single submitter. Criteria: ACMG Guidelines, 2015. Collection method: clinical testing. Allele origin: germline. Affected: yes. Observed: 5 variant alleles.

GeneDx
Classification: Likely pathogenic. Last evaluated: 2021-07-20. Review status: criteria provided, single submitter. Criteria: GeneDx Variant Classification Process June 2021. Collection method: clinical testing. Allele origin: germline. Affected: yes.
Comment: Has not been previously published as pathogenic or benign to our knowledge; Not observed at a significant frequency in large population cohorts (Lek et al., 2016); In silico analysis, which includes protein predictors and evolutionary conservation, supports a deleterious effect